The following is an entry in ClinVar:

NM_000548.5(TSC2):c.326dup (p.Gln110fs)

Gene: TSC2 (TSC complex subunit 2; plus strand). Cytogenetic location: 16p13.3.
Variant type: Duplication.
Coding change: c.326dup on transcript NM_000548.5 (MANE Select); coding-DNA position 326, one base duplicated (T; older notation c.326dupT).
Protein change: p.Gln110fs; shifts the reading frame from glutamine 110.
Molecular consequence: frameshift variant. On other transcripts: intron variant (9), 5 prime UTR variant (14), non-coding transcript variant (5).
Genome position (GRCh38, 1-based): chr16:2,053,442, T duplicated. VCF-style (leftmost placement, unchanged base first): chr16-2053441-G-GT. GRCh37 (hg19) VCF-style: chr16-2103442-G-GT.
Other names: c.-1-2754dup (NM_001406684.1, NM_001406685.1, NM_001318831.2 and 3 more transcripts); c.179dup, p.Gln61fs (NM_001406679.1, NM_001318829.2, NM_001406675.1 and 2 more transcripts); c.-491dup (NM_001406680.1, NM_001406683.1, NM_001406687.1); c.-120dup (NM_001406681.1); c.-1106dup (NM_001406689.1, NM_001406690.1, NM_001406691.1 and 2 more transcripts); c.-1412dup (NM_001406693.1); c.-987dup (NM_001406694.1, NM_001406695.1); c.-1094dup (NM_001406696.1); and 4 more; short protein forms Q121fs, Q110fs, Q61fs.
Identifiers: ClinVar variation 4726168 (VCV004726168.1).

ClinVar aggregate classification (germline): Pathogenic (1 of 4 stars; one submission).

Conditions:
Tuberous sclerosis 2 (TSC2). Identifiers: Orphanet 805, MedGen C1860707, MONDO:0013199, OMIM 613254.

Submission:

Labcorp Genetics (formerly Invitae), Labcorp
Classification: Pathogenic for Tuberous sclerosis 2. Last evaluated: 2025-08-29. Review status: criteria provided, single submitter. Criteria: Invitae Variant Classification Sherloc (09022015). Collection method: clinical testing. Allele origin: germline.
Comment: This sequence change creates a premature translational stop signal (p.Gln110Alafs*16) in the TSC2 gene. It is expected to result in an absent or disrupted protein product. Loss-of-function variants in TSC2 are known to be pathogenic (PMID: 10205261, 17304050). This variant is not present in population databases (gnomAD no frequency). This variant has not been reported in the literature in individuals affected with TSC2-related conditions. For these reasons, this variant has been classified as Pathogenic.

Literature cited by the submitters: PubMed 10205261; PubMed 17304050.